The following is an entry in ClinVar:

NM_005084.4(PLA2G7):c.245G>A (p.Arg82His)

Gene: PLA2G7 (phospholipase A2 group VII; minus strand). Cytogenetic location: 6p12.3.
Variant type: single nucleotide variant.
Coding change: c.245G>A on transcript NM_005084.4 (MANE Select); coding-DNA position 245, G replaced by A.
Protein change: p.Arg82His; replaces arginine 82 with histidine.
Molecular consequence: missense variant.
Genome position (GRCh38, 1-based): chr6:46,716,515, C>T on the plus strand (G>A on the coding strand, the complement: PLA2G7 is on the minus strand). VCF-style: chr6-46716515-C-T. GRCh37 (hg19) VCF-style: chr6-46684252-C-T.
Other names: c.245G>A, p.Arg82His (NM_001168357.2); short protein forms R82H.
Identifiers: ClinVar variation 3339800 (VCV003339800.2).

ClinVar aggregate classification (germline): Uncertain significance (1 of 4 stars; one submission).

Submission:

Women's Health and Genetics/Laboratory Corporation of America, LabCorp
Classification: Uncertain significance. Last evaluated: 2026-02-18. Review status: criteria provided, single submitter. Criteria: LabCorp Variant Classification Summary - May 2015. Collection method: clinical testing. Allele origin: germline.
Comment: Variant summary: PLA2G7 c.245G>A (p.Arg82His) results in a non-conservative amino acid change in the encoded protein sequence. Algorithms developed to predict the effect of missense changes on protein structure and function all suggest that this variant is likely to be disruptive. The variant allele was found at a frequency of 0.00024 in 251160 control chromosomes. This frequency is not significantly higher than estimated for disease-causing variants in PLA2G7, allowing no conclusion about variant significance. c.245G>A has been observed in an asymptomatic individual with reduced Lp-PLA2 enzymatic activity (Song_2012). This report does not provide unequivocal conclusions about association of the variant with Platelet-Activating Factor Acetylhydrolase Deficiency. To our knowledge, no experimental evidence demonstrating an impact on protein function has been reported. The following publication has been ascertained in the context of this evaluation (PMID: 21606947). ClinVar contains an entry for this variant (Variation ID: 3339800). Based on the evidence outlined above, the variant was classified as uncertain significance.

Literature cited by the submitters: PubMed 21606947.